The following is an entry in ClinVar:

NM_023110.3(FGFR1):c.1447C>T (p.Pro483Ser)

Gene: FGFR1 (fibroblast growth factor receptor 1; minus strand). Cytogenetic location: 8p11.23.
Variant type: single nucleotide variant.
Coding change: c.1447C>T on transcript NM_023110.3 (MANE Select); coding-DNA position 1447, C replaced by T.
Protein change: p.Pro483Ser; replaces proline 483 with serine.
Molecular consequence: missense variant.
Genome position (GRCh38, 1-based): chr8:38,417,975, G>A on the plus strand (C>T on the coding strand, the complement: FGFR1 is on the minus strand). VCF-style: chr8-38417975-G-A. GRCh37 (hg19) VCF-style: chr8-38275493-G-A.
Other names: c.1441C>T, p.Pro481Ser (NM_001354367.2, NM_015850.4, NM_001174063.2 and 1 more transcripts); c.1168C>T, p.Pro390Ser (NM_001354368.2); c.1435C>T, p.Pro479Ser (NM_001354369.2); c.1174C>T, p.Pro392Ser (NM_001354370.2, NM_023106.3); c.1180C>T, p.Pro394Ser (NM_023105.3, NM_001174066.2); c.1417C>T, p.Pro473Ser (NM_001174064.2); c.1540C>T, p.Pro514Ser (NM_001174067.2); short protein forms P390S, P392S, P394S, P473S, P479S, P481S, P483S, P514S.
Identifiers: ClinVar variation 1187468 (VCV001187468.9), dbSNP rs397515444, ClinGen allele CA4718368.
Genomic context (GRCh38, chr8:38,417,975, plus strand): 5'-CCTTGTCCAGCCCGATAGCCTCTGCCAACACCACCTGCCCAAAGCAGCCCTCTCCCAGGG[G>A]TTTGCCTAAGACCAGTCTTTCGGGGGAAACAGAGAGTGGCATAAGTTGGGGCTGGTGAAG-3'
Protein context (NP_075598.2, residues 473-493): LPRDRLVLGK[Pro483Ser]LGEGCFGQVV

ClinVar aggregate classification (germline): Uncertain significance. Review status: criteria provided, multiple submitters, no conflicts (2 of 4 stars). 3 submissions from 3 submitters: Uncertain significance (3). Last evaluated 2023-06-15.

Conditions:
Osteoglophonic dysplasia (OGD). Also called: Osteoglophonic dwarfism. Identifiers: Orphanet 2645, MedGen C0432283, MONDO:0008150, OMIM 166250.
Trigonocephaly 1 (TRIGNO1). Identifiers: Orphanet 3366, MedGen C0432122, MONDO:0008603, OMIM 190440.
Hypogonadotropic hypogonadism 2 with or without anosmia (HH2). Also called: HYPOGONADOTROPIC HYPOGONADISM 2 WITHOUT ANOSMIA; HYPOGONADOTROPIC HYPOGONADISM 2 WITH OR WITHOUT ANOSMIA, SUSCEPTIBILITY TO; HYPOGONADOTROPIC HYPOGONADISM 2 WITHOUT ANOSMIA, SUSCEPTIBILITY TO; FGFR1-Related GnRH Deficiency (Kallmann Syndrome 2). Identifiers: Orphanet 478, MedGen C1563720, MONDO:0007844, OMIM 147950. Disease mechanism: loss of function.
Jackson-Weiss syndrome (JWS). Also called: CRANIOSYNOSTOSIS, MIDFACIAL HYPOPLASIA, AND FOOT ABNORMALITIES. Identifiers: Orphanet 1540, MedGen C0795998, MONDO:0007400, OMIM 123150. Disease mechanism: loss of function.
Hartsfield-Bixler-Demyer syndrome (HRTFDS). Also called: Holoprosencephaly, ectrodactyly, and bilateral cleft lip/palate; FGFR1-Related Hartsfield Syndrome; Hartsfield syndrome. Identifiers: Orphanet 2117, MedGen C1845146, MONDO:0014196, OMIM 615465. Disease mechanism: loss of function.
Encephalocraniocutaneous lipomatosis (ECCL). Identifiers: Orphanet 2396, MedGen C0406612, MONDO:0013074, OMIM 613001.
Pfeiffer syndrome (ACS5). Also called: ACS V. Identifiers: Orphanet 710, MedGen C0220658, MONDO:0007043, OMIM 101600.

Allele frequency attached by ClinVar (database versions not stated): gnomAD exomes below 0.00001 and 0.00001; ExAC 0.00001; gnomAD 0.00001; TOPMed 0.00001.
gnomAD v4.1: 12 of 1,614,104 alleles (0.00074%); highest among the groups gnomAD compares: Non-Finnish European, 0.001%; no homozygotes.

Submissions (3):

Labcorp Genetics (formerly Invitae), Labcorp
Classification: Uncertain significance for Pfeiffer syndrome; Hypogonadotropic hypogonadism 2 with or without anosmia. Last evaluated: 2023-06-15. Review status: criteria provided, single submitter. Criteria: Invitae Variant Classification Sherloc (09022015). Collection method: clinical testing. Allele origin: germline.
Comment: This missense change has been observed in individual(s) with FGFR1-related conditions (PMID: 22319038). This variant is present in population databases (rs397515444, gnomAD 0.0009%). This sequence change replaces proline, which is neutral and non-polar, with serine, which is neutral and polar, at codon 483 of the FGFR1 protein (p.Pro483Ser). ClinVar contains an entry for this variant (Variation ID: 1187468). Experimental studies have shown that this missense change affects FGFR1 function (PMID: 22319038). In summary, the available evidence is currently insufficient to determine the role of this variant in disease. Therefore, it has been classified as a Variant of Uncertain Significance. Advanced modeling of protein sequence and biophysical properties (such as structural, functional, and spatial information, amino acid conservation, physicochemical variation, residue mobility, and thermodynamic stability) has been performed at Invitae for this missense variant, however the output from this modeling did not meet the statistical confidence thresholds required to predict the impact of this variant on FGFR1 protein function.

Fulgent Genetics
Classification: Uncertain significance for Pfeiffer syndrome; Jackson-Weiss syndrome; Hypogonadotropic hypogonadism 2 with or without anosmia; Osteoglophonic dysplasia; Trigonocephaly 1; Encephalocraniocutaneous lipomatosis; Hartsfield-Bixler-Demyer syndrome. Last evaluated: 2022-05-26. Review status: criteria provided, single submitter. Criteria: ACMG Guidelines, 2015. Collection method: clinical testing. Allele origin: unknown.

GeneDx
Classification: Uncertain significance. Last evaluated: 2020-10-14. Review status: criteria provided, single submitter. Criteria: GeneDx Variant Classification Process June 2021. Collection method: clinical testing. Allele origin: germline. Affected: yes.
Comment: Not observed at a significant frequency in large population cohorts (Lek et al., 2016); In silico analysis supports that this missense variant has a deleterious effect on protein structure/function; This variant is associated with the following publications: (PMID: 22319038, 25759380)

Literature cited by the submitters: PubMed 22319038 (cited by Labcorp Genetics (formerly Invitae), Labcorp).